The following is an entry in ClinVar:

ClinVar aggregate classification (germline): Conflicting classifications of pathogenicity. Review status: criteria provided, conflicting classifications (1 of 4 stars). 2 submissions from 2 submitters: Uncertain significance (1); Benign (1). Last evaluated 2023-09-29.

Conditions:
Kleefstra syndrome 1 (KLEFS1). Identifiers: Orphanet 261494, MedGen C0795833, MONDO:0027407, OMIM 610253.
EHMT1-related disorder. Also called: EHMT1-related condition.

Allele frequency attached by ClinVar (database versions not stated): TOPMed 0.00001; gnomAD 0.00001.
gnomAD v4.1: 12 of 1,607,092 alleles (0.00075%); highest among the groups gnomAD compares: Non-Finnish European, 0.001%; no homozygotes.

Submissions (2):

PreventionGenetics, part of Exact Sciences
Classification: Uncertain significance for EHMT1-related condition. Last evaluated: 2023-09-29. Review status: criteria provided, single submitter. Criteria: ACMG Guidelines, 2015. Collection method: clinical testing. Allele origin: germline.
Comment: The EHMT1 c.496A>G variant is predicted to result in the amino acid substitution p.Ser166Gly. To our knowledge, this variant has not been reported in the literature. This variant is reported in 0.00090% of alleles in individuals of European (Non-Finnish) descent in gnomAD. At this time, the clinical significance of this variant is uncertain due to the absence of conclusive functional and genetic evidence.

Labcorp Genetics (formerly Invitae), Labcorp
Classification: Benign for Kleefstra syndrome 1. Last evaluated: 2023-06-14. Review status: criteria provided, single submitter. Criteria: Invitae Variant Classification Sherloc (09022015). Collection method: clinical testing. Allele origin: germline.

NM_024757.5(EHMT1):c.496A>G (p.Ser166Gly)

Gene: EHMT1 (euchromatic histone lysine methyltransferase 1; plus strand). Cytogenetic location: 9q34.3.
Variant type: single nucleotide variant.
Coding change: c.496A>G on transcript NM_024757.5 (MANE Select); coding-DNA position 496, A replaced by G.
Protein change: p.Ser166Gly; replaces serine 166 with glycine.
Molecular consequence: missense variant.
Genome position (GRCh38, 1-based): chr9:137,717,036, A>G. VCF-style: chr9-137717036-A-G. GRCh37 (hg19) VCF-style: chr9-140611488-A-G.
Other names: c.496A>G (NM_024757.4); c.496A>G, p.Ser166Gly (NM_001145527.2, NM_001354263.2, NM_001354611.2); c.403A>G, p.Ser135Gly (NM_001354259.2, NM_001354612.2); short protein forms S135G, S166G.
Identifiers: ClinVar variation 2194479 (VCV002194479.5), dbSNP rs1016996167, ClinGen allele CA201802331.